The following is an entry in ClinVar:

NM_001346754.2(PIGW):c.1426G>A (p.Ala476Thr)

Genes: MYO19 (myosin XIX; minus strand), PIGW (phosphatidylinositol glycan anchor biosynthesis class W; plus strand). Cytogenetic location: 17q12.
Variant type: single nucleotide variant.
Coding change: c.1426G>A on transcript NM_001346754.2 (MANE Select); coding-DNA position 1426, G replaced by A.
Protein change: p.Ala476Thr; replaces alanine 476 with threonine.
Molecular consequence: missense variant.
Genome position (GRCh38, 1-based): chr17:36,538,527, G>A. VCF-style: chr17-36538527-G-A. GRCh37 (hg19) VCF-style: chr17-34894376-G-A.
Other names: c.1426G>A, p.Ala476Thr (NM_001346755.2, NM_178517.5); short protein forms A476T.
Identifiers: ClinVar variation 2185456 (VCV002185456.4), dbSNP rs753962780, ClinGen allele CA290116862.

ClinVar aggregate classification (germline): Uncertain significance (1 of 4 stars; one submission).

Conditions:
Hyperphosphatasia with intellectual disability syndrome 5 (GPIBD11). Also called: GLYCOSYLPHOSPHATIDYLINOSITOL BIOSYNTHESIS DEFECT 11. Identifiers: Orphanet 247262, MedGen C4014958, MONDO:0014457, OMIM 616025.

Allele frequency attached by ClinVar (database versions not stated): ExAC 0.00001.

Submission:

Labcorp Genetics (formerly Invitae), Labcorp
Classification: Uncertain significance for Hyperphosphatasia with intellectual disability syndrome 5. Last evaluated: 2022-11-03. Review status: criteria provided, single submitter. Criteria: Invitae Variant Classification Sherloc (09022015). Collection method: clinical testing. Allele origin: germline.
Comment: In summary, the available evidence is currently insufficient to determine the role of this variant in disease. Therefore, it has been classified as a Variant of Uncertain Significance. This variant is present in population databases (rs753962780, gnomAD 0.0009%). This sequence change replaces alanine, which is neutral and non-polar, with threonine, which is neutral and polar, at codon 476 of the PIGW protein (p.Ala476Thr). This variant has not been reported in the literature in individuals affected with PIGW-related conditions. Advanced modeling of protein sequence and biophysical properties (such as structural, functional, and spatial information, amino acid conservation, physicochemical variation, residue mobility, and thermodynamic stability) performed at Invitae indicates that this missense variant is not expected to disrupt PIGW protein function.